The following is an entry in ClinVar:

ClinVar aggregate classification (germline): Uncertain significance (1 of 4 stars; one submission).

Conditions:
Wilson disease (WND). Also called: Wilson's disease. Identifiers: Orphanet 905, MedGen C0019202, MONDO:0010200, OMIM 277900. Disease mechanism: loss of function.

Submission:

Labcorp Genetics (formerly Invitae), Labcorp
Classification: Uncertain significance for Wilson disease. Last evaluated: 2022-08-01. Review status: criteria provided, single submitter. Criteria: Invitae Variant Classification Sherloc (09022015). Collection method: clinical testing. Allele origin: germline.
Comment: This sequence change replaces isoleucine, which is neutral and non-polar, with leucine, which is neutral and non-polar, at codon 222 of the ATP7B protein (p.Ile222Leu). This variant is present in population databases (no rsID available, gnomAD 0.003%). This variant has not been reported in the literature in individuals affected with ATP7B-related conditions. Advanced modeling of protein sequence and biophysical properties (such as structural, functional, and spatial information, amino acid conservation, physicochemical variation, residue mobility, and thermodynamic stability) performed at Invitae indicates that this missense variant is not expected to disrupt ATP7B protein function. In summary, the available evidence is currently insufficient to determine the role of this variant in disease. Therefore, it has been classified as a Variant of Uncertain Significance.

NM_000053.4(ATP7B):c.664A>C (p.Ile222Leu)

Gene: ATP7B (ATPase copper transporting beta; minus strand). Cytogenetic location: 13q14.3.
Variant type: single nucleotide variant.
Coding change: c.664A>C on transcript NM_000053.4 (MANE Select); coding-DNA position 664, A replaced by C.
Protein change: p.Ile222Leu; replaces isoleucine 222 with leucine.
Molecular consequence: missense variant.
Genome position (GRCh38, 1-based): chr13:51,974,556, T>G on the plus strand (A>C on the coding strand, the complement: ATP7B is on the minus strand). VCF-style: chr13-51974556-T-G. GRCh37 (hg19) VCF-style: chr13-52548692-T-G.
Other names: c.664A>C, p.Ile222Leu (NM_001005918.3, NM_001243182.2, NM_001330578.2 and 30 more transcripts); c.568A>C, p.Ile190Leu (NM_001406517.1, NM_001406518.1, NM_001406530.1 and 4 more transcripts); short protein forms I190L, I222L.
Identifiers: ClinVar variation 2081200 (VCV002081200.1), dbSNP rs200866801, ClinGen allele CA388042023.